The following is an entry in ClinVar:

NM_012186.3(FOXE3):c.583C>G (p.Pro195Ala)

Genes: FOXE3 (forkhead box E3; plus strand), LINC01389 (long intergenic non-protein coding RNA 1389; minus strand). Cytogenetic location: 1p33.
Variant type: single nucleotide variant.
Coding change: c.583C>G on transcript NM_012186.3 (MANE Select); coding-DNA position 583, C replaced by G.
Protein change: p.Pro195Ala; replaces proline 195 with alanine.
Molecular consequence: missense variant.
Genome position (GRCh38, 1-based): chr1:47,416,898, C>G. VCF-style: chr1-47416898-C-G. GRCh37 (hg19) VCF-style: chr1-47882570-C-G.
Other names: short protein forms P195A.
Identifiers: ClinVar variation 3851321 (VCV003851321.1).

ClinVar aggregate classification (germline): Uncertain significance (1 of 4 stars; one submission).

Conditions:
Cardiovascular phenotype. Identifiers: MedGen CN230736.

Submission:

Ambry Genetics
Classification: Uncertain significance for Cardiovascular phenotype. Last evaluated: 2025-02-15. Review status: criteria provided, single submitter. Criteria: Ambry Variant Classification Scheme 2023. Collection method: clinical testing. Allele origin: germline.
Comment: The p.P195A variant (also known as c.583C>G), located in coding exon 1 of the FOXE3 gene, results from a C to G substitution at nucleotide position 583. The proline at codon 195 is replaced by alanine, an amino acid with highly similar properties. This amino acid position is conserved. In addition, this alteration is predicted to be tolerated by in silico analysis. Based on the available evidence, the clinical significance of this variant remains unclear.